The following is an entry in ClinVar:

ClinVar aggregate classification (germline): Uncertain significance (1 of 4 stars; one submission).

Submission:

Women's Health and Genetics/Laboratory Corporation of America, LabCorp
Classification: Uncertain significance. Last evaluated: 2024-12-11. Review status: criteria provided, single submitter. Criteria: LabCorp Variant Classification Summary - May 2015. Collection method: clinical testing. Allele origin: germline.
Comment: Variant summary: CRB1 c.2149G>T (p.Gly717Cys) results in a non-conservative amino acid change located in the Laminin G domain profile (IPR001791) of the encoded protein sequence. Four of five in-silico tools predict a damaging effect of the variant on protein function. The variant was absent in 251016 control chromosomes. The available data on variant occurrences in the general population are insufficient to allow any conclusion about variant significance. c.2149G>T has been reported in the literature in individuals affected with Retinal Dystrophy (Falsini_2022, Li_2023). These data do not allow any conclusion about variant significance. To our knowledge, no experimental evidence demonstrating an impact on protein function has been reported. The following publications have been ascertained in the context of this evaluation (PMID: 35260635, 36729443). No submitters have cited clinical-significance assessments for this variant to ClinVar. Based on the evidence outlined above, the variant was classified as uncertain significance.

Literature cited by the submitters: PubMed 35260635; PubMed 36729443.

NM_201253.3(CRB1):c.2149G>T (p.Gly717Cys)

Gene: CRB1 (crumbs cell polarity complex component 1; plus strand). Cytogenetic location: 1q31.3.
Variant type: single nucleotide variant.
Coding change: c.2149G>T on transcript NM_201253.3 (MANE Select); coding-DNA position 2149, G replaced by T.
Protein change: p.Gly717Cys; replaces glycine 717 with cysteine.
Molecular consequence: missense variant. On other transcripts: non-coding transcript variant (2), intron variant (1).
Genome position (GRCh38, 1-based): chr1:197,427,474, G>T. VCF-style: chr1-197427474-G-T. GRCh37 (hg19) VCF-style: chr1-197396604-G-T.
Other names: c.1813G>T, p.Gly605Cys (NM_001193640.2); c.1942G>T, p.Gly648Cys (NM_001257965.2); c.2128+5518G>T (NM_001257966.2); short protein forms G605C, G648C, G717C.
Identifiers: ClinVar variation 3768113 (VCV003768113.1).
Genomic context (GRCh38, chr1:197,427,474, plus strand): 5'-TTCTTTTTTTTTCTCCTCCTCCTCTATTTTGACATTGAAGAGTATGTGGCAGGCAGATTT[G>T]GCCAGGATGACTCCACTGGTTATGTCATCTTTACTCTTGATGAGAGCTATGGAGACACCA-3'
Protein context (NP_957705.1, residues 707-727): CLREYVAGRF[Gly717Cys]QDDSTGYVIF